The following is an entry in ClinVar:

ClinVar aggregate classification (germline): Uncertain significance (1 of 4 stars; one submission).

gnomAD v4.1: 4 of 1,614,130 alleles (0.00025%); highest among the groups gnomAD compares: Non-Finnish European, 0.00025%; no homozygotes.

Submission:

Labcorp Genetics (formerly Invitae), Labcorp
Classification: Uncertain significance. Last evaluated: 2022-07-06. Review status: criteria provided, single submitter. Criteria: Invitae Variant Classification Sherloc (09022015). Collection method: clinical testing. Allele origin: germline.
Comment: This variant is present in population databases (rs139416916, gnomAD 0.002%). This sequence change replaces tyrosine, which is neutral and polar, with cysteine, which is neutral and slightly polar, at codon 2909 of the COL7A1 protein (p.Tyr2909Cys). This variant has not been reported in the literature in individuals affected with COL7A1-related conditions. ClinVar contains an entry for this variant (Variation ID: 1466410). Advanced modeling of protein sequence and biophysical properties (such as structural, functional, and spatial information, amino acid conservation, physicochemical variation, residue mobility, and thermodynamic stability) performed at Invitae indicates that this missense variant is expected to disrupt COL7A1 protein function. In summary, the available evidence is currently insufficient to determine the role of this variant in disease. Therefore, it has been classified as a Variant of Uncertain Significance.

NM_000094.4(COL7A1):c.8726A>G (p.Tyr2909Cys)

Gene: COL7A1 (collagen type VII alpha 1 chain; minus strand). Cytogenetic location: 3p21.31.
Variant type: single nucleotide variant.
Coding change: c.8726A>G on transcript NM_000094.4 (MANE Select); coding-DNA position 8726, A replaced by G.
Protein change: p.Tyr2909Cys; replaces tyrosine 2909 with cysteine.
Molecular consequence: missense variant.
Genome position (GRCh38, 1-based): chr3:48,564,875, T>C on the plus strand (A>G on the coding strand, the complement: COL7A1 is on the minus strand). VCF-style: chr3-48564875-T-C. GRCh37 (hg19) VCF-style: chr3-48602308-T-C.
Other names: short protein forms Y2909C.
Identifiers: ClinVar variation 1466410 (VCV001466410.6), dbSNP rs139416916, ClinGen allele CA2377889.